The following is an entry in ClinVar:

NM_006612.6(KIF1C):c.1310C>T (p.Pro437Leu)

Gene: KIF1C (kinesin family member 1C; plus strand). Cytogenetic location: 17p13.2.
Variant type: single nucleotide variant.
Coding change: c.1310C>T on transcript NM_006612.6 (MANE Select); coding-DNA position 1310, C replaced by T.
Protein change: p.Pro437Leu; replaces proline 437 with leucine.
Molecular consequence: missense variant.
Genome position (GRCh38, 1-based): chr17:5,007,059, C>T. VCF-style: chr17-5007059-C-T. GRCh37 (hg19) VCF-style: chr17-4910354-C-T.
Other names: short protein forms P437L.
Identifiers: ClinVar variation 798139 (VCV000798139.27), dbSNP rs148619121, ClinGen allele CA8318927.

ClinVar aggregate classification (germline): Conflicting classifications of pathogenicity. Review status: criteria provided, conflicting classifications (1 of 4 stars). 4 submissions from 4 submitters: Uncertain significance (3); Likely benign (1). Last evaluated 2025-09-23.

Conditions:
Spastic ataxia 2. Also called: Ataxia, spastic, 2, autosomal recessive. Identifiers: Orphanet 397946, MedGen C1969796, MONDO:0012651, OMIM 611302.
Hereditary spastic paraplegia. Also called: Familial spastic paraparesis. Identifiers: Orphanet 685, MedGen C0037773, MONDO:0019064. Disease mechanism: loss of function.
Inborn genetic diseases. Identifiers: MedGen C0950123, MeSH D030342.

Allele frequency attached by ClinVar (database versions not stated): gnomAD 0.00009; gnomAD exomes 0.00010 and 0.00014; TOPMed 0.00012; ExAC 0.00017; ESP Exome Variant Server 0.00031.
gnomAD v4.1: 168 of 1,599,142 alleles (0.011%); highest among the groups gnomAD compares: Admixed American, 0.0073%; no homozygotes.

Submissions (4):

Labcorp Genetics (formerly Invitae), Labcorp
Classification: Likely benign for Spastic ataxia 2. Last evaluated: 2025-09-23. Review status: criteria provided, single submitter. Criteria: Invitae Variant Classification Sherloc (09022015). Collection method: clinical testing. Allele origin: germline.

CeGaT Center for Human Genetics Tuebingen
Classification: Uncertain significance. Last evaluated: 2024-12-01. Review status: criteria provided, single submitter. Criteria: CeGaT Center For Human Genetics Tuebingen Variant Classification Criteria Version 2. Collection method: clinical testing. Allele origin: germline. Affected: yes. Observed: 1 variant allele.
Comment: KIF1C: PM2

Ambry Genetics
Classification: Uncertain significance for Inborn genetic diseases. Last evaluated: 2021-12-06. Review status: criteria provided, single submitter. Criteria: Ambry Variant Classification Scheme 2023. Collection method: clinical testing. Allele origin: germline.

Genome Diagnostics Laboratory, The Hospital for Sick Children
Classification: Uncertain significance for Hereditary spastic paraplegia. Last evaluated: 2017-12-01. Review status: criteria provided, single submitter. Criteria: ACMG Guidelines, 2015. Collection method: clinical testing. Allele origin: germline. Affected: yes.